The following is an entry in ClinVar:

ClinVar aggregate classification (germline): Uncertain significance (1 of 4 stars; one submission).

Submission:

Geisinger Autism and Developmental Medicine Institute, Geisinger Health System
Classification: Uncertain significance. Last evaluated: 2018-04-03. Review status: criteria provided, single submitter. Criteria: ACMG CNV Guidelines, 2011. Collection method: provider interpretation. Allele origin: de novo.
Comment: Jaundice and sacral dimple were noted at birth. Notable facial features include: microcephaly, midface hypoplasia, triangular facies, fine hair, high forehead with broad and prominent brow, protruding low-set ears, epicanthus, deep-set eyes, sparse eyebrows, broad nasal root with low bridge, anteverted nares, small nasal tip, thin lips, small mouth, and small chin. Renal ultrasound was normal.

Single allele

Variant type: Deletion.
Identifiers: ClinVar variation 559453 (VCV000559453.3).